The following is an entry in ClinVar:

ClinVar aggregate classification (germline): Conflicting classifications of pathogenicity. Review status: criteria provided, conflicting classifications (1 of 4 stars). 5 submissions from 5 submitters: Likely pathogenic (1); Uncertain significance (4). Last evaluated 2025-11-13.

Conditions:
Cardiovascular phenotype. Identifiers: MedGen CN230736.
Hypertrophic cardiomyopathy. Also called: HYPERTROPHIC MYOCARDIOPATHY. Identifiers: Orphanet 217569, MedGen C0007194, MeSH D002312, MONDO:0005045, HP:0001639.
Cardiomyopathy (CMYO). Also called: Cardiomyopathies. Identifiers: Orphanet 167848, MedGen C0878544, MONDO:0004994, HP:0001638. Inheritance: Various modes of inheritance.

Submissions (5):

Labcorp Genetics (formerly Invitae), Labcorp
Classification: Uncertain significance for Hypertrophic cardiomyopathy. Last evaluated: 2025-11-13. Review status: criteria provided, single submitter. Criteria: Invitae Variant Classification Sherloc (09022015). Collection method: clinical testing. Allele origin: germline.
Comment: This sequence change creates a premature translational stop signal (p.Tyr715*) in the MYH7 gene. It is expected to result in an absent or disrupted protein product. However, the current clinical and genetic evidence is not sufficient to establish whether loss-of-function variants in MYH7 cause disease. This variant is not present in population databases (gnomAD no frequency). This variant has not been reported in the literature in individuals affected with MYH7-related conditions. ClinVar contains an entry for this variant (Variation ID: 1786640). In summary, the available evidence is currently insufficient to determine the role of this variant in disease. Therefore, it has been classified as a Variant of Uncertain Significance.

All of Us Research Program, National Institutes of Health
Classification: Uncertain significance for Cardiomyopathy. Last evaluated: 2024-07-29. Review status: criteria provided, single submitter. Criteria: ACMG Guidelines, 2015. Collection method: clinical testing. Allele origin: germline. Inheritance: Autosomal dominant inheritance. Observed: 2 variant alleles, 2 heterozygotes.
Comment: This variant changes 1 nucleotide in exon 19 of the MYH7 gene, creating a premature translation stop signal. This variant is expected to result in an absent or non-functional protein product. To our knowledge, this variant has not been reported in individuals affected with MYH7-related disorders in the literature. This variant has not been identified in the general population by the Genome Aggregation Database (gnomAD). Clinical relevance of loss-of-function MYH7 truncation variants in autosomal dominant cardiovascular disorders is not clearly established. The available evidence is insufficient to determine the role of this variant in disease conclusively. Therefore, this variant is classified as a Variant of Uncertain Significance.

This study involves interpretation of variants in research participants for the purpose of population health screening. Participant phenotype was not available at the time of variant classification. Additional details can be found in publication PMID: 35346344, PMCID: PMC8962531

Color Diagnostics, LLC DBA Color Health
Classification: Uncertain significance for Cardiomyopathy. Last evaluated: 2024-07-19. Review status: criteria provided, single submitter. Criteria: ACMG Guidelines, 2015. Collection method: clinical testing. Allele origin: germline.
Comment: This variant changes 1 nucleotide in exon 19 of the MYH7 gene, creating a premature translation stop signal. This variant is expected to result in an absent or non-functional protein product. To our knowledge, this variant has not been reported in individuals affected with MYH7-related disorders in the literature. This variant has not been identified in the general population by the Genome Aggregation Database (gnomAD). Clinical relevance of loss-of-function MYH7 truncation variants in autosomal dominant cardiovascular disorders is not clearly established. The available evidence is insufficient to determine the role of this variant in disease conclusively. Therefore, this variant is classified as a Variant of Uncertain Significance.

Ambry Genetics
Classification: Uncertain significance for Cardiovascular phenotype. Last evaluated: 2022-09-26. Review status: criteria provided, single submitter. Criteria: Ambry Variant Classification Scheme 2023. Collection method: clinical testing. Allele origin: germline.
Comment: The p.Y715* variant (also known as c.2145C>A), located in coding exon 17 of the MYH7 gene, results from a C to A substitution at nucleotide position 2145. This changes the amino acid from a tyrosine to a stop codon within coding exon 17. This variant has been detected in an exome cohort in an individual indicated as not known to have cardiovascular or skeletal muscle phenotype; however, details were limited (Park J et al. Hum Mol Genet, 2022 03;31:827-837). This alteration is expected to result in protein truncation or nonsense-mediated mRNA decay. However, loss of function of MYH7 has not been established as a mechanism of disease. Since supporting evidence is limited at this time, the clinical significance of this alteration remains unclear.

Laboratory for Molecular Medicine, Mass General Brigham Personalized Medicine
Classification: Likely pathogenic for Hypertrophic cardiomyopathy. Last evaluated: 2020-08-10. Review status: criteria provided, single submitter. Criteria: ACMG Guidelines, 2015. Collection method: clinical testing. Allele origin: germline.
Comment: The p.Tyr715X variant in MYH7 has not been previously reported in individuals with cardiomyopathy and was absent from large population studies. This nonsense variant leads to a premature termination codon at position 715, which is predicted to lead to a truncated or absent protein. Although heterozygous loss-of-function (LOF) variants in MYH7, such as this variant, are not believed to be pathogenic for dominant forms of cardiomyopathy, there is evidence that can they lead to severe and early onset disease when present in trans with a second MYH7 variant (LMM data). In summary, although additional studies are required to fully establish its clinical significance, the p.Tyr715X variant is likely pathogenic for autosomal recessive hypertrophic cardiomyopathy. ACMG/AMP Criteria applied: PVS1, PM2.

Literature cited by the submitters: PubMed 34542152 (cited by Ambry Genetics).

NM_000257.4(MYH7):c.2145C>A (p.Tyr715Ter)

Gene: MYH7 (myosin heavy chain 7; minus strand). Cytogenetic location: 14q11.2.
Variant type: single nucleotide variant.
Coding change: c.2145C>A on transcript NM_000257.4 (MANE Select); coding-DNA position 2145, C replaced by A.
Protein change: p.Tyr715Ter; replaces tyrosine 715 with a stop codon.
Molecular consequence: nonsense.
Genome position (GRCh38, 1-based): chr14:23,425,981, G>T on the plus strand (C>A on the coding strand, the complement: MYH7 is on the minus strand). VCF-style: chr14-23425981-G-T. GRCh37 (hg19) VCF-style: chr14-23895190-G-T.
Other names: c.2145C>A, p.Tyr715Ter (NM_001407004.1); short protein forms Y715*.
Identifiers: ClinVar variation 1786640 (VCV001786640.8), dbSNP rs146675572, ClinGen allele CA389049036.